The following is an entry in ClinVar:

NM_024675.4(PALB2):c.3119T>A (p.Leu1040Ter)

Gene: PALB2 (partner and localizer of BRCA2; minus strand). Cytogenetic location: 16p12.2.
Variant type: single nucleotide variant.
Coding change: c.3119T>A on transcript NM_024675.4 (MANE Select); coding-DNA position 3119, T replaced by A.
Protein change: p.Leu1040Ter; replaces leucine 1040 with a stop codon.
Molecular consequence: nonsense. On other transcripts: intron variant (3).
Genome position (GRCh38, 1-based): chr16:23,614,086, A>T on the plus strand (T>A on the coding strand, the complement: PALB2 is on the minus strand). VCF-style: chr16-23614086-A-T. GRCh37 (hg19) VCF-style: chr16-23625407-A-T.
Other names: c.3059T>A, p.Leu1020Ter (NM_001407296.1); c.3047T>A, p.Leu1016Ter (NM_001407297.1); c.2957T>A, p.Leu986Ter (NM_001407298.1, NM_001407302.1); c.2840T>A, p.Leu947Ter (NM_001407300.1); c.3119T>A, p.Leu1040Ter (NM_001407301.1); c.2234T>A, p.Leu745Ter (NM_001407304.1, NM_001407305.1, NM_001407306.1 and 2 more transcripts); c.2072T>A, p.Leu691Ter (NM_001407307.1); c.1331T>A, p.Leu444Ter (NM_001407312.1, NM_001407313.1); and 3 more; short protein forms L1016*, L1020*, L1040*, L218*, L444*, L691*, L745*, L947*.
Identifiers: ClinVar variation 2674059 (VCV002674059.1), dbSNP rs2142300225, ClinGen allele CA395141477.

ClinVar aggregate classification (germline): Pathogenic (1 of 4 stars; one submission).

Conditions:
Familial cancer of breast. Also called: Hereditary breast cancer; BREAST CANCER, FAMILIAL; hereditary breast carcinoma. Identifiers: Orphanet 227535, MedGen C0346153, MONDO:0016419, OMIM 114480. Disease mechanism: loss of function.

Submission:

Myriad Genetics, Inc.
Classification: Pathogenic for Familial cancer of breast. Last evaluated: 2023-09-14. Review status: criteria provided, single submitter. Criteria: Myriad Autosomal Dominant, Autosomal Recessive and X-Linked Classification Criteria (2023). Collection method: clinical testing. Allele origin: unknown.
Comment: This variant is considered pathogenic. This variant creates a termination codon and is predicted to result in premature protein truncation.